The following is an entry in ClinVar:

ClinVar aggregate classification (germline): Uncertain significance (1 of 4 stars; one submission).

Allele frequency attached by ClinVar (database versions not stated): gnomAD exomes below 0.00001; ExAC 0.00002.
gnomAD v4.1: 2 of 1,546,848 alleles (0.00013%); highest among the groups gnomAD compares: Non-Finnish European, 0.00018%; no homozygotes.

Submission:

Labcorp Genetics (formerly Invitae), Labcorp
Classification: Uncertain significance. Last evaluated: 2022-09-15. Review status: criteria provided, single submitter. Criteria: Invitae Variant Classification Sherloc (09022015). Collection method: clinical testing. Allele origin: germline.
Comment: This sequence change falls in intron 3 of the SRP54 gene. It does not directly change the encoded amino acid sequence of the SRP54 protein. The frequency data for this variant in the population databases is considered unreliable, as metrics indicate poor data quality at this position in the gnomAD database. This variant has not been reported in the literature in individuals affected with SRP54-related conditions. Algorithms developed to predict the effect of sequence changes on RNA splicing suggest that this variant may disrupt the consensus splice site. In summary, the available evidence is currently insufficient to determine the role of this variant in disease. Therefore, it has been classified as a Variant of Uncertain Significance.

NM_003136.4(SRP54):c.170+19G>A

Gene: SRP54 (signal recognition particle 54; plus strand). Cytogenetic location: 14q13.2.
Variant type: single nucleotide variant.
Coding change: c.170+19G>A on transcript NM_003136.4 (MANE Select); 19 bases into the intron after coding-DNA position 170, G replaced by A.
Molecular consequence: intron variant.
Genome position (GRCh38, 1-based): chr14:34,999,668, G>A. VCF-style: chr14-34999668-G-A. GRCh37 (hg19) VCF-style: chr14-35468874-G-A.
Other names: c.24-1268G>A (NM_001146282.2).
Identifiers: ClinVar variation 1950646 (VCV001950646.5), dbSNP rs764107313, ClinGen allele CA7153505.